The following is an entry in ClinVar:

ClinVar aggregate classification (germline): Uncertain significance (1 of 4 stars; one submission).

Submission:

Ambry Genetics
Classification: Uncertain significance. Last evaluated: 2024-05-28. Review status: criteria provided, single submitter. Criteria: Ambry Variant Classification Scheme 2023. Collection method: clinical testing. Allele origin: germline.
Comment: The p.G245R variant (also known as c.733G>C), located in coding exon 7 of the RAD54L gene, results from a G to C substitution at nucleotide position 733. The glycine at codon 245 is replaced by arginine, an amino acid with dissimilar properties. This amino acid position is conserved. In addition, this alteration is predicted to be deleterious by in silico analysis. Based on the available evidence, the clinical significance of this variant remains unclear.

NM_003579.4(RAD54L):c.733G>C (p.Gly245Arg)

Gene: RAD54L (RAD54 like; plus strand). Cytogenetic location: 1p34.1.
Variant type: single nucleotide variant.
Coding change: c.733G>C on transcript NM_003579.4 (MANE Select); coding-DNA position 733, G replaced by C.
Protein change: p.Gly245Arg; replaces glycine 245 with arginine.
Molecular consequence: missense variant.
Genome position (GRCh38, 1-based): chr1:46,260,982, G>C. VCF-style: chr1-46260982-G-C. GRCh37 (hg19) VCF-style: chr1-46726654-G-C.
Other names: c.733G>C, p.Gly245Arg (NM_001142548.2); c.193G>C, p.Gly65Arg (NM_001370766.1); short protein forms G65R, G245R.
Identifiers: ClinVar variation 3312429 (VCV003312429.1).